The following is an entry in ClinVar:

NM_020366.4(RPGRIP1):c.266G>A (p.Arg89Gln)

Gene: RPGRIP1 (RPGR interacting protein 1; plus strand). Cytogenetic location: 14q11.2.
Variant type: single nucleotide variant.
Coding change: c.266G>A on transcript NM_020366.4 (MANE Select); coding-DNA position 266, G replaced by A.
Protein change: p.Arg89Gln; replaces arginine 89 with glutamine.
Molecular consequence: missense variant.
Genome position (GRCh38, 1-based): chr14:21,301,013, G>A. VCF-style: chr14-21301013-G-A. GRCh37 (hg19) VCF-style: chr14-21769172-G-A.
Other names: c.266G>A (NM_020366.3); short protein forms R89Q.
Identifiers: ClinVar variation 2085236 (VCV002085236.6), dbSNP rs530125171, ClinGen allele CA7088623.
Genomic context (GRCh38, chr14:21,301,013, plus strand): 5'-TATTTGTCCACAGGCTGAGGACCACCTTGCTGCGGTTGACCGCTGCTGGCCGGGACCTGC[G>A]GGTCGCGGAGGAGGCGGCGCCGCTCTCGGAGACCGCAAGGCGCGGGCAGAAGGCGGGATG-3'
Protein context (NP_065099.3, residues 79-99): LRLTAAGRDL[Arg89Gln]VAEEAAPLSE

ClinVar aggregate classification (germline): Conflicting classifications of pathogenicity. Review status: criteria provided, conflicting classifications (1 of 4 stars). 3 submissions from 3 submitters: Uncertain significance (2); Likely benign (1). Last evaluated 2024-02-19.

Conditions:
Inborn genetic diseases. Identifiers: MedGen C0950123, MeSH D030342.
Leber congenital amaurosis 6 (LCA6). Identifiers: Orphanet 65, MedGen C1854260, MONDO:0013446, OMIM 613826.
Cone-rod dystrophy 13 (CORD13). Identifiers: Orphanet 1872, MedGen C2750720, MONDO:0011987, OMIM 608194.

Allele frequency attached by ClinVar (database versions not stated): TOPMed 0.00002; ExAC 0.00003; gnomAD 0.00004; 1000 Genomes Project 30x 0.00016; 1000 Genomes Project 0.00020.
gnomAD v4.1: 25 of 1,612,656 alleles (0.0016%); highest among the groups gnomAD compares: East Asian, 0.051%; no homozygotes.

Submissions (3):

Blueprint Genetics
Classification: Likely benign. Last evaluated: 2024-02-19. Review status: criteria provided, single submitter. Criteria: ACMG Guidelines, 2015. Collection method: clinical testing. Allele origin: germline.

Ambry Genetics
Classification: Uncertain significance for Inborn genetic diseases. Last evaluated: 2024-01-29. Review status: criteria provided, single submitter. Criteria: Ambry Variant Classification Scheme 2023. Collection method: clinical testing. Allele origin: germline.

Labcorp Genetics (formerly Invitae), Labcorp
Classification: Uncertain significance for Leber congenital amaurosis 6; Cone-rod dystrophy 13. Last evaluated: 2022-06-14. Review status: criteria provided, single submitter. Criteria: Invitae Variant Classification Sherloc (09022015). Collection method: clinical testing. Allele origin: germline.
Comment: This sequence change replaces arginine, which is basic and polar, with glutamine, which is neutral and polar, at codon 89 of the RPGRIP1 protein (p.Arg89Gln). This variant is present in population databases (rs530125171, gnomAD 0.1%). In summary, the available evidence is currently insufficient to determine the role of this variant in disease. Therefore, it has been classified as a Variant of Uncertain Significance. Algorithms developed to predict the effect of sequence changes on RNA splicing suggest that this variant may create or strengthen a splice site. Algorithms developed to predict the effect of missense changes on protein structure and function output the following: SIFT: "Tolerated"; PolyPhen-2: "Benign"; Align-GVGD: "Class C0". The glutamine amino acid residue is found in multiple mammalian species, which suggests that this missense change does not adversely affect protein function. This variant has not been reported in the literature in individuals affected with RPGRIP1-related conditions.